The following is an entry in ClinVar:

ClinVar aggregate classification (germline): Uncertain significance. Review status: criteria provided, multiple submitters, no conflicts (2 of 4 stars). 2 submissions from 2 submitters: Uncertain significance (2). Last evaluated 2024-08-01.

Conditions:
Ataxia-telangiectasia syndrome (AT). Also called: LOUIS-BAR SYNDROME; Cerebello-oculocutaneous telangiectasia; Immunodeficiency with ataxia telangiectasia; Ataxia-telangiectasia, complementation group D; AT, COMPLEMENTATION GROUP C; ATAXIA-TELANGIECTASIA, COMPLEMENTATION GROUP A. Identifiers: Orphanet 100, MedGen C0004135, MONDO:0008840, OMIM 208900.
Hereditary cancer-predisposing syndrome. Also called: Neoplastic Syndromes, Hereditary; Tumor predisposition; Hereditary Cancer Syndrome; Hereditary neoplastic syndrome. Identifiers: Orphanet 140162, MedGen C0027672, MeSH D009386, MONDO:0015356.

Submissions (2):

Labcorp Genetics (formerly Invitae), Labcorp
Classification: Uncertain significance for Ataxia-telangiectasia syndrome. Last evaluated: 2024-08-01. Review status: criteria provided, single submitter. Criteria: Invitae Variant Classification Sherloc (09022015). Collection method: clinical testing. Allele origin: germline.
Comment: This sequence change replaces leucine, which is neutral and non-polar, with arginine, which is basic and polar, at codon 1621 of the ATM protein (p.Leu1621Arg). This variant is not present in population databases (gnomAD no frequency). This variant has not been reported in the literature in individuals affected with ATM-related conditions. ClinVar contains an entry for this variant (Variation ID: 1743653). An algorithm developed to predict the effect of missense changes on protein structure and function (PolyPhen-2) suggests that this variant is likely to be disruptive. In summary, the available evidence is currently insufficient to determine the role of this variant in disease. Therefore, it has been classified as a Variant of Uncertain Significance.

Ambry Genetics
Classification: Uncertain significance for Hereditary cancer-predisposing syndrome. Last evaluated: 2021-04-05. Review status: criteria provided, single submitter. Criteria: Ambry Variant Classification Scheme 2023. Collection method: clinical testing. Allele origin: germline.
Comment: The p.L1621R variant (also known as c.4862T>G), located in coding exon 31 of the ATM gene, results from a T to G substitution at nucleotide position 4862. The leucine at codon 1621 is replaced by arginine, an amino acid with dissimilar properties. This amino acid position is highly conserved in available vertebrate species. In addition, this alteration is predicted to be deleterious by in silico analysis. Since supporting evidence is limited at this time, the clinical significance of this alteration remains unclear.

NM_000051.4(ATM):c.4862T>G (p.Leu1621Arg)

Gene: ATM (ATM serine/threonine kinase; plus strand). Cytogenetic location: 11q22.3.
Variant type: single nucleotide variant.
Coding change: c.4862T>G on transcript NM_000051.4 (MANE Select); coding-DNA position 4862, T replaced by G.
Protein change: p.Leu1621Arg; replaces leucine 1621 with arginine.
Molecular consequence: missense variant.
Genome position (GRCh38, 1-based): chr11:108,295,012, T>G. VCF-style: chr11-108295012-T-G. GRCh37 (hg19) VCF-style: chr11-108165739-T-G.
Other names: c.4862T>G, p.Leu1621Arg (NM_001351834.2); short protein forms L1621R.
Identifiers: ClinVar variation 1743653 (VCV001743653.4), dbSNP rs1555101864, ClinGen allele CA382537056.